The following is an entry in ClinVar:

ClinVar aggregate classification (germline): Pathogenic (1 of 4 stars; one submission).

Conditions:
Early-infantile DEE. Also called: Ohtahara syndrome; Early infantile epileptic encephalopathy with suppression bursts; Early infantile epileptic encephalopathy. Identifiers: Orphanet 1934, MedGen C0393706, MONDO:0800491.

Submission:

Labcorp Genetics (formerly Invitae), Labcorp
Classification: Pathogenic for Early-infantile DEE. Last evaluated: 2022-08-31. Review status: criteria provided, single submitter. Criteria: Invitae Variant Classification Sherloc (09022015). Collection method: clinical testing. Allele origin: germline.
Comment: ClinVar contains an entry for this variant (Variation ID: 845181). For these reasons, this variant has been classified as Pathogenic. This variant has not been reported in the literature in individuals affected with SCN1A-related conditions. This variant is not present in population databases (gnomAD no frequency). This sequence change creates a premature translational stop signal (p.Cys1061Metfs*14) in the SCN1A gene. It is expected to result in an absent or disrupted protein product. Loss-of-function variants in SCN1A are known to be pathogenic (PMID: 17347258, 18930999).

Literature cited by the submitters: PubMed 17347258; PubMed 18930999.

NM_001165963.4(SCN1A):c.3180_3181insA (p.Cys1061fs)

Genes: SCN1A (sodium voltage-gated channel alpha subunit 1; minus strand), LOC102724058 (uncharacterized LOC102724058; plus strand). Cytogenetic location: 2q24.3.
Variant type: Insertion.
Coding change: c.3180_3181insA on transcript NM_001165963.4 (MANE Select); coding-DNA positions 3180 to 3181, A inserted.
Protein change: p.Cys1061fs; shifts the reading frame from cysteine 1061.
Molecular consequence: frameshift variant. On other transcripts: non-coding transcript variant (2).
Genome position: GRCh38 VCF-style: chr2-166036296-A-AT. GRCh37 (hg19) VCF-style: chr2-166892806-A-AT.
Other names: c.3096_3097insA, p.Cys1033fs (NM_001165964.3, NM_001353957.2, NM_001353958.2); c.3180_3181insA, p.Cys1061fs (NM_001202435.3, NM_001353948.2); c.3147_3148insA, p.Cys1050fs (NM_001353949.2, NM_001353950.2, NM_001353951.2 and 2 more transcripts); c.3144_3145insA, p.Cys1049fs (NM_001353954.2, NM_001353955.2); c.3093_3094insA, p.Cys1032fs (NM_001353960.2); c.738_739insA, p.Cys247fs (NM_001353961.2); short protein forms C1033fs, C1050fs, C1032fs, C1061fs, C1049fs, C247fs.
Identifiers: ClinVar variation 845181 (VCV000845181.8), dbSNP rs1696356978, ClinGen allele CA916082242.